The following is an entry in ClinVar:

ClinVar aggregate classification (germline): Conflicting classifications of pathogenicity. Review status: criteria provided, conflicting classifications (1 of 4 stars). 6 submissions from 5 submitters: Uncertain significance (3); Likely benign (3). Last evaluated 2026-01-20.

Conditions:
Joubert syndrome 9 (JBTS9). Identifiers: Orphanet 2318, MedGen C2676788, MONDO:0012849, OMIM 612285.
Joubert syndrome. Also called: Familial aplasia of the vermis; JOUBERT-BOLTSHAUSER SYNDROME. Identifiers: Orphanet 475, MedGen C5979921, MONDO:0018772.
Meckel-Gruber syndrome. Also called: Dysencephalia splachnocystica; DYSENCEPHALIA SPLANCHNOCYSTICA; GRUBER SYNDROME. Identifiers: Orphanet 564, MedGen C0265215, MONDO:0018921.
Meckel syndrome, type 6. Identifiers: Orphanet 564, MedGen C2676790, MONDO:0012848, OMIM 612284.

Allele frequency attached by ClinVar (database versions not stated): gnomAD exomes 0.00001 and 0.00006; ExAC 0.00007; ESP Exome Variant Server 0.00008; gnomAD 0.00015 and 0.00018; TOPMed 0.00015.
gnomAD v4.1: 69 of 1,613,878 alleles (0.0043%); highest among the groups gnomAD compares: East Asian, 0.033%; no homozygotes.

Submissions (6):

Labcorp Genetics (formerly Invitae), Labcorp
Classification: Likely benign for Joubert syndrome; Meckel-Gruber syndrome. Last evaluated: 2026-01-20. Review status: criteria provided, single submitter. Criteria: Invitae Variant Classification Sherloc (09022015). Collection method: clinical testing. Allele origin: germline.

Mayo Clinic Laboratories, Mayo Clinic
Classification: Likely benign. Last evaluated: 2024-12-05. Review status: criteria provided, single submitter. Criteria: ACMG Guidelines, 2015. Collection method: clinical testing. Allele origin: germline. Observed: 2 variant alleles.
Comment: BP4, BP7

Blueprint Genetics
Classification: Likely benign. Last evaluated: 2024-09-23. Review status: criteria provided, single submitter. Criteria: ACMG Guidelines, 2015. Collection method: clinical testing. Allele origin: germline.

Eurofins Ntd Llc (ga)
Classification: Uncertain significance. Last evaluated: 2018-08-15. Review status: criteria provided, single submitter. Criteria: EGL ClinVar v180209 classification definitions. Collection method: clinical testing. Allele origin: germline. Observed: 4 variant alleles, 4 heterozygotes.

Illumina Laboratory Services, Illumina
Classification: Uncertain significance for Joubert syndrome 9. Last evaluated: 2018-01-13. Review status: criteria provided, single submitter. Criteria: ICSL Variant Classification Criteria 13 December 2019. Collection method: clinical testing. Allele origin: germline.

Illumina Laboratory Services, Illumina
Classification: Uncertain significance for Meckel syndrome, type 6. Last evaluated: 2018-01-13. Review status: criteria provided, single submitter. Criteria: ICSL Variant Classification Criteria 13 December 2019. Collection method: clinical testing. Allele origin: germline.

NM_001378615.1(CC2D2A):c.3846A>T (p.Pro1282=)

Genes: CC2D2A (coiled-coil and C2 domain containing 2A; plus strand), FBXL5 (F-box and leucine rich repeat protein 5; minus strand). Cytogenetic location: 4p15.32.
Variant type: single nucleotide variant.
Coding change: c.3846A>T on transcript NM_001378615.1 (MANE Select); coding-DNA position 3846, A replaced by T.
Protein change: p.Pro1282=; no amino-acid change (proline 1282 retained).
Molecular consequence: synonymous variant.
Genome position (GRCh38, 1-based): chr4:15,580,042, A>T. VCF-style: chr4-15580042-A-T. GRCh37 (hg19) VCF-style: chr4-15581665-A-T.
Other names: p.Pro1282=; c.3846A>T, p.Pro1282= (NM_001080522.2); c.3699A>T, p.Pro1233= (NM_001378617.1).
Identifiers: ClinVar variation 282946 (VCV000282946.23), dbSNP rs372292129, ClinGen allele CA2864242.
Genomic context (GRCh38, chr4:15,580,042, plus strand): 5'-AGATGAGAAATTACTTCAAGCAACTGAGAAGTTTCAAGCTGAATGTGCCTTAAAGTTTCC[A>T]AATCGTCAGTGCCTTACAACAGTAATTGATATAAGCGGAAAAACTGTTTTTATCACACGT-3'
Protein context (NP_001365544.1, residues 1272-1292): KFQAECALKF[Pro1282=]NRQCLTTVID